The following is an entry in ClinVar:

ClinVar aggregate classification (germline): Uncertain significance (1 of 4 stars; one submission).

Conditions:
Adams-Oliver syndrome 5 (AOS5). Identifiers: Orphanet 974, MedGen C4014970, MONDO:0014459, OMIM 616028.

Allele frequency attached by ClinVar (database versions not stated): gnomAD exomes below 0.00001.

Submission:

Labcorp Genetics (formerly Invitae), Labcorp
Classification: Uncertain significance for Adams-Oliver syndrome 5. Last evaluated: 2025-05-27. Review status: criteria provided, single submitter. Criteria: Invitae Variant Classification Sherloc (09022015). Collection method: clinical testing. Allele origin: germline.
Comment: This sequence change replaces asparagine, which is neutral and polar, with aspartic acid, which is acidic and polar, at codon 510 of the NOTCH1 protein (p.Asn510Asp). This variant is not present in population databases (gnomAD no frequency). This variant has not been reported in the literature in individuals affected with NOTCH1-related conditions. ClinVar contains an entry for this variant (Variation ID: 2420584). Invitae Evidence Modeling of protein sequence and biophysical properties (such as structural, functional, and spatial information, amino acid conservation, physicochemical variation, residue mobility, and thermodynamic stability) indicates that this missense variant is not expected to disrupt NOTCH1 protein function with a negative predictive value of 95%. In summary, the available evidence is currently insufficient to determine the role of this variant in disease. Therefore, it has been classified as a Variant of Uncertain Significance.

NM_017617.5(NOTCH1):c.1528A>G (p.Asn510Asp)

Gene: NOTCH1 (notch receptor 1; minus strand). Cytogenetic location: 9q34.3.
Variant type: single nucleotide variant.
Coding change: c.1528A>G on transcript NM_017617.5 (MANE Select); coding-DNA position 1528, A replaced by G.
Protein change: p.Asn510Asp; replaces asparagine 510 with aspartic acid.
Molecular consequence: missense variant.
Genome position (GRCh38, 1-based): chr9:136,517,299, T>C on the plus strand (A>G on the coding strand, the complement: NOTCH1 is on the minus strand). VCF-style: chr9-136517299-T-C. GRCh37 (hg19) VCF-style: chr9-139411751-T-C.
Other names: short protein forms N510D.
Identifiers: ClinVar variation 2420584 (VCV002420584.6), dbSNP rs551200410, ClinGen allele CA201587460.